The following is an entry in ClinVar:

NM_003000.3(SDHB):c.638T>G (p.Met213Arg)

Gene: SDHB (succinate dehydrogenase complex iron sulfur subunit B; minus strand). Cytogenetic location: 1p36.13.
Variant type: single nucleotide variant.
Coding change: c.638T>G on transcript NM_003000.3 (MANE Select); coding-DNA position 638, T replaced by G.
Protein change: p.Met213Arg; replaces methionine 213 with arginine.
Molecular consequence: missense variant.
Genome position (GRCh38, 1-based): chr1:17,023,977, A>C on the plus strand (T>G on the coding strand, the complement: SDHB is on the minus strand). VCF-style: chr1-17023977-A-C. GRCh37 (hg19) VCF-style: chr1-17350472-A-C.
Other names: c.584T>G, p.Met195Arg (NM_001407361.1); short protein forms M213R, M195R.
Identifiers: ClinVar variation 2945656 (VCV002945656.5), dbSNP rs202014362, ClinGen allele CA338270932.

ClinVar aggregate classification (germline): Conflicting classifications of pathogenicity. Review status: criteria provided, conflicting classifications (1 of 4 stars). 3 submissions from 3 submitters: Likely pathogenic (1); Uncertain significance (2). Last evaluated 2026-08-21.

Conditions:
Hereditary cancer-predisposing syndrome. Also called: Hereditary Cancer Syndrome; Hereditary neoplastic syndrome; Neoplastic Syndromes, Hereditary; Tumor predisposition. Identifiers: Orphanet 140162, MedGen C0027672, MeSH D009386, MONDO:0015356.
Pheochromocytoma/paraganglioma syndrome 4. Also called: SDHB-Related Hereditary Paraganglioma-Pheochromocytoma Syndrome (Paragangliomas 4); CAROTID BODY TUMORS AND MULTIPLE EXTRAADRENAL PHEOCHROMOCYTOMAS; PARAGANGLIOMA, FAMILIAL MALIGNANT; PARAGANGLIOMAS, HEREDITARY EXTRAADRENAL; PHEOCHROMOCYTOMA, FAMILIAL EXTRAADRENAL; Paragangliomas 4. Identifiers: Orphanet 29072, MedGen C1861848, MONDO:0007273, OMIM 115310.
Pheochromocytoma. Also called: MAX-Related Hereditary Paraganglioma-Pheochromocytoma Syndrome. Identifiers: Orphanet 29072, MedGen C0031511, MONDO:0008233, OMIM 171300, HP:0002666.
Gastrointestinal stromal tumor. Also called: Gastrointestinal stromal tumor, somatic; Gastrointestinal stroma tumor. Identifiers: Orphanet 44890, MedGen C0238198, MeSH D046152, MONDO:0011719, OMIM 606764, HP:0100723.

Submissions (3):

Ambry Genetics
Classification: Likely pathogenic for Hereditary cancer-predisposing syndrome. Last evaluated: 2026-08-21. Review status: criteria provided, single submitter. Criteria: Ambry Variant Classification Scheme 2023. Collection method: clinical testing. Allele origin: germline.
Comment: The p.M213R variant (also known as c.638T>G), located in coding exon 6 of the SDHB gene, results from a T to G substitution at nucleotide position 638. The methionine at codon 213 is replaced by arginine, an amino acid with similar properties. This variant was reported in individual(s) with features consistent with SDHB-related hereditary pheochromocytoma-paraganglioma (Ambry internal data). In addition, this alteration is predicted to be deleterious by in silico analysis. This amino acid position is conserved. This variant is considered to be rare based on population cohorts in the Genome Aggregation Database (gnomAD). Based on the majority of available evidence to date, this variant is likely to be pathogenic.

GeneDx
Classification: Uncertain significance. Last evaluated: 2024-01-16. Review status: criteria provided, single submitter. Criteria: GeneDx Variant Classification Process June 2021. Collection method: clinical testing. Allele origin: germline. Affected: yes.
Comment: Not observed at significant frequency in large population cohorts (gnomAD); In silico analysis supports that this missense variant has a deleterious effect on protein structure/function; Has not been previously published as pathogenic or benign to our knowledge

Labcorp Genetics (formerly Invitae), Labcorp
Classification: Uncertain significance for Gastrointestinal stromal tumor; Pheochromocytoma/paraganglioma syndrome 4; Pheochromocytoma. Last evaluated: 2023-09-26. Review status: criteria provided, single submitter. Criteria: Invitae Variant Classification Sherloc (09022015). Collection method: clinical testing. Allele origin: germline.
Comment: This variant has not been reported in the literature in individuals affected with SDHB-related conditions. Advanced modeling of protein sequence and biophysical properties (such as structural, functional, and spatial information, amino acid conservation, physicochemical variation, residue mobility, and thermodynamic stability) performed at Invitae indicates that this missense variant is expected to disrupt SDHB protein function. In summary, the available evidence is currently insufficient to determine the role of this variant in disease. Therefore, it has been classified as a Variant of Uncertain Significance. This sequence change replaces methionine, which is neutral and non-polar, with arginine, which is basic and polar, at codon 213 of the SDHB protein (p.Met213Arg). This variant is not present in population databases (gnomAD no frequency).